The following is an entry in ClinVar:

NM_001042492.3(NF1):c.2281G>C (p.Ala761Pro)

Gene: NF1 (neurofibromin 1; plus strand). Cytogenetic location: 17q11.2.
Variant type: single nucleotide variant.
Coding change: c.2281G>C on transcript NM_001042492.3 (MANE Select); coding-DNA position 2281, G replaced by C.
Protein change: p.Ala761Pro; replaces alanine 761 with proline.
Molecular consequence: missense variant.
Genome position (GRCh38, 1-based): chr17:31,227,247, G>C. VCF-style: chr17-31227247-G-C. GRCh37 (hg19) VCF-style: chr17-29554265-G-C.
Other names: c.2281G>C, p.Ala761Pro (NM_000267.4); short protein forms A761P.
Identifiers: ClinVar variation 185850 (VCV000185850.10), dbSNP rs786202504, ClinGen allele CA193150.

ClinVar aggregate classification (germline): Uncertain significance. Review status: criteria provided, multiple submitters, no conflicts (2 of 4 stars). 3 submissions from 3 submitters: Uncertain significance (3). Last evaluated 2025-12-16.

Conditions:
Hereditary cancer-predisposing syndrome. Also called: Hereditary Cancer Syndrome; Neoplastic Syndromes, Hereditary; Tumor predisposition; Hereditary neoplastic syndrome. Identifiers: Orphanet 140162, MedGen C0027672, MeSH D009386, MONDO:0015356.
Neurofibromatosis, type 1 (NF1). Also called: NEUROFIBROMATOSIS, TYPE I, SOMATIC; VON RECKLINGHAUSEN DISEASE; Peripheral type neurofibromatosis; Neurofibromatosis, type I. Identifiers: Orphanet 636, MedGen C0027831, MONDO:0018975, OMIM 162200. Disease mechanism: loss of function.

Submissions (3):

Labcorp Genetics (formerly Invitae), Labcorp
Classification: Uncertain significance for Neurofibromatosis, type 1. Last evaluated: 2025-12-16. Review status: criteria provided, single submitter. Criteria: Invitae Variant Classification Sherloc (09022015). Collection method: clinical testing. Allele origin: germline.
Comment: This sequence change replaces alanine, which is neutral and non-polar, with proline, which is neutral and non-polar, at codon 761 of the NF1 protein (p.Ala761Pro). This variant is not present in population databases (gnomAD no frequency). This variant has not been reported in the literature in individuals affected with NF1-related conditions. ClinVar contains an entry for this variant (Variation ID: 185850). Invitae Evidence Modeling of protein sequence and biophysical properties (such as structural, functional, and spatial information, amino acid conservation, physicochemical variation, residue mobility, and thermodynamic stability) has been performed for this missense variant. However, the output from this modeling did not meet the statistical confidence thresholds required to predict the impact of this variant on NF1 protein function. In summary, the available evidence is currently insufficient to determine the role of this variant in disease. Therefore, it has been classified as a Variant of Uncertain Significance.

Genome-Nilou Lab
Classification: Uncertain significance for Neurofibromatosis, type 1. Last evaluated: 2022-03-15. Review status: criteria provided, single submitter. Criteria: ACMG Guidelines, 2015. Collection method: clinical testing. Allele origin: germline. Affected: no.

Ambry Genetics
Classification: Uncertain significance for Hereditary cancer-predisposing syndrome. Last evaluated: 2014-08-15. Review status: criteria provided, single submitter. Criteria: Ambry Autosomal Dominant and X-Linked criteria (10/2015). Collection method: clinical testing. Allele origin: germline. Observed: 1 variant allele.
Comment: Ã¢â‚¬â€¹<span style="background-color: initial;">The <strong style="background-color: initial;">p.A761P<span style="background-color: initial;"> variant (also known as c.2281G>C), located in coding exon 19 of the<em style="background-color: initial;"> NF1 <span style="background-color: initial;">gene, results from a G to C substitution at nucleotide position 2281. The alanine at codon 761 is replaced by proline, an amino acid with highly similar properties. This variant was not reported in population based cohorts in the following databases: Database of Single Nucleotide Polymorphisms (dbSNP), NHLBI Exome Sequencing Project (ESP), and 1000 Genomes Project. In the ESP, this variant was not observed in 6503 samples (13006 alleles) with coverage at this position. To date, this alteration has been detected with an allele frequency of approximately 0.01% (greater than 11000 alleles tested) in our clinical cohort. This amino acid position is highly conserved in available vertebrate species. In addition, this alteration is predicted to be benign and deleterious by PolyPhen and SIFT<em style="background-color: initial;"> in silico<span style="background-color: initial;"> analyses, respectively. Since supporting evidence is limited at this time, the clinical significance of p.A761P remains unclear.